The following is an entry in ClinVar:

ClinVar aggregate classification (germline): Uncertain significance. Review status: criteria provided, multiple submitters, no conflicts (2 of 4 stars). 2 submissions from 2 submitters: Uncertain significance (2). Last evaluated 2024-09-05.

Conditions:
Dilated cardiomyopathy 1JJ (CMD1JJ). Identifiers: Orphanet 154, MedGen C3808935, MONDO:0014095, OMIM 615235.

Allele frequency attached by ClinVar (database versions not stated): gnomAD exomes 0.00001; ExAC 0.00002.
gnomAD v4.1: 6 of 1,612,520 alleles (0.00037%); highest among the groups gnomAD compares: Non-Finnish European, 0.00042%; no homozygotes.

Submissions (2):

GeneDx
Classification: Uncertain significance. Last evaluated: 2024-09-05. Review status: criteria provided, single submitter. Criteria: GeneDx Variant Classification Process June 2021. Collection method: clinical testing. Allele origin: germline. Affected: yes.
Comment: Has not been previously published as pathogenic or benign to our knowledge; Not observed at significant frequency in large population cohorts (gnomAD); In silico analysis indicates that this missense variant does not alter protein structure/function

Labcorp Genetics (formerly Invitae), Labcorp
Classification: Uncertain significance for Dilated cardiomyopathy 1JJ. Last evaluated: 2024-08-05. Review status: criteria provided, single submitter. Criteria: Invitae Variant Classification Sherloc (09022015). Collection method: clinical testing. Allele origin: germline.
Comment: This sequence change replaces tyrosine, which is neutral and polar, with asparagine, which is neutral and polar, at codon 1393 of the LAMA4 protein (p.Tyr1393Asn). This variant is present in population databases (rs781815955, gnomAD 0.003%). This variant has not been reported in the literature in individuals affected with LAMA4-related conditions. ClinVar contains an entry for this variant (Variation ID: 1050907). An algorithm developed to predict the effect of missense changes on protein structure and function (PolyPhen-2) suggests that this variant is likely to be disruptive. In summary, the available evidence is currently insufficient to determine the role of this variant in disease. Therefore, it has been classified as a Variant of Uncertain Significance.

NM_001105206.3(LAMA4):c.4198T>A (p.Tyr1400Asn)

Gene: LAMA4 (laminin subunit alpha 4; minus strand). Cytogenetic location: 6q21.
Variant type: single nucleotide variant.
Coding change: c.4198T>A on transcript NM_001105206.3 (MANE Select); coding-DNA position 4198, T replaced by A.
Protein change: p.Tyr1400Asn; replaces tyrosine 1400 with asparagine.
Molecular consequence: missense variant.
Genome position (GRCh38, 1-based): chr6:112,129,011, A>T on the plus strand (T>A on the coding strand, the complement: LAMA4 is on the minus strand). VCF-style: chr6-112129011-A-T. GRCh37 (hg19) VCF-style: chr6-112450213-A-T.
Other names: c.4177T>A (NM_002290.3); c.4177T>A, p.Tyr1393Asn (NM_001105207.3, NM_002290.5); short protein forms Y1393N, Y1400N.
Identifiers: ClinVar variation 1050907 (VCV001050907.10), dbSNP rs781815955, ClinGen allele CA3965036.
Genomic context (GRCh38, chr6:112,129,011, plus strand): 5'-ATAAATTTTTTCCTTTTTTATGGAGGAGAAACAATGGTGAAGACTCAATGGGACACTCAT[A>T]AAGAGAAGTGTGGACCTTTTCAGTATACCGTTGGAAATCTTCAACCTCCACATCTCTATC-3'
Protein context (NP_001098676.2, residues 1390-1410): RYTEKVHTSL[Tyr1400Asn]ECPIESSPLF